The following is an entry in ClinVar:

ClinVar aggregate classification (germline): Conflicting classifications of pathogenicity. Review status: criteria provided, conflicting classifications (1 of 4 stars). 2 submissions from 2 submitters: Uncertain significance (1); Likely benign (1). Last evaluated 2023-05-12.

Conditions:
FREM1-related disorder. Also called: FREM1-related condition; FREM1-Related Disorders.
Inborn genetic diseases. Identifiers: MedGen C0950123, MeSH D030342.

Allele frequency attached by ClinVar (database versions not stated): 1000 Genomes Project 30x 0.00016; 1000 Genomes Project 0.00020.
gnomAD v4.1: 65 of 1,537,946 alleles (0.0042%); highest among the groups gnomAD compares: African/African-American, 0.019%; no homozygotes.

Submissions (2):

PreventionGenetics, part of Exact Sciences
Classification: Uncertain significance for FREM1-related condition. Last evaluated: 2023-05-12. Review status: criteria provided, single submitter. Criteria: ACMG Guidelines, 2015. Collection method: clinical testing. Allele origin: germline.
Comment: The FREM1 c.4471G>A variant is predicted to result in the amino acid substitution p.Glu1491Lys. To our knowledge, this variant has not been reported in the literature. This variant is reported in 0.026% of alleles in individuals of African descent in gnomAD. At this time, the clinical significance of this variant is uncertain due to the absence of conclusive functional and genetic evidence.

Ambry Genetics
Classification: Likely benign for Inborn genetic diseases. Last evaluated: 2021-07-20. Review status: criteria provided, single submitter. Criteria: Ambry Variant Classification Scheme 2023. Collection method: clinical testing. Allele origin: germline.

NM_001379081.2(FREM1):c.4471G>A (p.Glu1491Lys)

Gene: FREM1 (FRAS1 related extracellular matrix 1; minus strand). Cytogenetic location: 9p22.3.
Variant type: single nucleotide variant.
Coding change: c.4471G>A on transcript NM_001379081.2 (MANE Select); coding-DNA position 4471, G replaced by A.
Protein change: p.Glu1491Lys; replaces glutamic acid 1491 with lysine.
Molecular consequence: missense variant. On other transcripts: non-coding transcript variant (2).
Genome position (GRCh38, 1-based): chr9:14,776,175, C>T on the plus strand (G>A on the coding strand, the complement: FREM1 is on the minus strand). VCF-style: chr9-14776175-C-T. GRCh37 (hg19) VCF-style: chr9-14776173-C-T.
Other names: c.79G>A, p.Glu27Lys (NM_001177704.3, NM_001370058.2, NM_001370061.2); c.4471G>A, p.Glu1491Lys (NM_144966.7); short protein forms E1491K, E27K.
Identifiers: ClinVar variation 2407878 (VCV002407878.3), dbSNP rs190325959, ClinGen allele CA4990155.